The following is an entry in ClinVar:

NM_001101362.3(KBTBD13):c.1209C>G (p.Val403=)

Gene: KBTBD13 (kelch repeat and BTB domain containing 13; plus strand). Cytogenetic location: 15q22.31.
Variant type: single nucleotide variant.
Coding change: c.1209C>G on transcript NM_001101362.3 (MANE Select); coding-DNA position 1209, C replaced by G.
Protein change: p.Val403=; no amino-acid change (valine 403 retained).
Molecular consequence: synonymous variant.
Genome position (GRCh38, 1-based): chr15:65,078,024, C>G. VCF-style: chr15-65078024-C-G. GRCh37 (hg19) VCF-style: chr15-65370362-C-G.
Identifiers: ClinVar variation 2010391 (VCV002010391.4), dbSNP rs773085730, ClinGen allele CA490899460.
Genomic context (GRCh38, chr15:65,078,024, plus strand): 5'-CGGCCAGTTCGTCAACAGCAAGGGAGCGCTCTTCACGGCCGTGGTGCGCGGTGACACCGT[C>G]TATACGGTCAACCGCATGTTCACGCTGCTCTACGCCATCGAGGGCGGCACCTGGCGGCTG-3'
Protein context (NP_001094832.1, residues 393-413): LFTAVVRGDT[Val403=]YTVNRMFTLL

ClinVar aggregate classification (germline): Uncertain significance (1 of 4 stars; one submission).

Conditions:
Nemaline myopathy 6 (NEM6). Also called: Nemaline myopathy 6, autosomal dominant. Identifiers: Orphanet 171439, MedGen C1836472, MONDO:0012237, OMIM 609273.

Submission:

Labcorp Genetics (formerly Invitae), Labcorp
Classification: Uncertain significance for Nemaline myopathy 6. Last evaluated: 2022-06-24. Review status: criteria provided, single submitter. Criteria: Invitae Variant Classification Sherloc (09022015). Collection method: clinical testing. Allele origin: germline.
Comment: In summary, the available evidence is currently insufficient to determine the role of this variant in disease. Therefore, it has been classified as a Variant of Uncertain Significance. This variant has not been reported in the literature in individuals affected with KBTBD13-related conditions. This variant is not present in population databases (gnomAD no frequency). This sequence change affects codon 403 of the KBTBD13 mRNA. It is a 'silent' change, meaning that it does not change the encoded amino acid sequence of the KBTBD13 protein.